The following is an entry in ClinVar:

NM_001164508.2(NEB):c.2523+5G>C

Gene: NEB (nebulin; minus strand). Cytogenetic location: 2q23.3.
Variant type: single nucleotide variant.
Coding change: c.2523+5G>C on transcript NM_001164508.2 (MANE Select); 5 bases into the intron after coding-DNA position 2523, G replaced by C.
Molecular consequence: intron variant.
Genome position (GRCh38, 1-based): chr2:151,687,621, C>G on the plus strand (G>C on the coding strand, the complement: NEB is on the minus strand). VCF-style: chr2-151687621-C-G. GRCh37 (hg19) VCF-style: chr2-152544135-C-G.
Other names: c.2523+5G>C (NM_004543.5, NM_001164507.2, NM_001271208.2).
Identifiers: ClinVar variation 1428349 (VCV001428349.4), dbSNP rs755864993, ClinGen allele CA1911202.
Genomic context (GRCh38, chr2:151,687,621, plus strand): 5'-CACTCACCAGGAAATGTCCCCAAGGCCACCCTGTCCAGGTCCCCAGGTCCCCAGGCCACA[C>G]TCACATCGCTGGTGTTCTTGGTGTTGGCTTTGGCTGCCAACAGGGGAATGGCGTCCACTT-3'

ClinVar aggregate classification (germline): Uncertain significance (1 of 4 stars; one submission).

Conditions:
Nemaline myopathy 2 (NEM2). Also called: Nemaline myopathy 2, autosomal recessive. Identifiers: MedGen C1850569, MONDO:0009725, OMIM 256030.

Allele frequency attached by ClinVar (database versions not stated): gnomAD exomes 0.00001; ExAC 0.00003.

Submission:

Labcorp Genetics (formerly Invitae), Labcorp
Classification: Uncertain significance for Nemaline myopathy 2. Last evaluated: 2020-12-19. Review status: criteria provided, single submitter. Criteria: Invitae Variant Classification Sherloc (09022015). Collection method: clinical testing. Allele origin: germline.
Comment: In summary, the available evidence is currently insufficient to determine the role of this variant in disease. Therefore, it has been classified as a Variant of Uncertain Significance. Nucleotide substitutions within the consensus splice site are a relatively common cause of aberrant splicing (PMID: 17576681, 9536098). Algorithms developed to predict the effect of sequence changes on RNA splicing suggest that this variant may disrupt the consensus splice site, but this prediction has not been confirmed by published transcriptional studies. This variant has not been reported in the literature in individuals with NEB-related conditions. This variant is present in population databases (rs755864993, ExAC 0.01%). This sequence change falls in intron 26 of the NEB gene. It does not directly change the encoded amino acid sequence of the NEB protein. It affects a nucleotide within the consensus splice site of the intron.

Literature cited by the submitters: PubMed 17576681; PubMed 9536098.